The following is an entry in ClinVar:

ClinVar aggregate classification (germline): Pathogenic (1 of 4 stars; one submission).

Conditions:
MOGS-congenital disorder of glycosylation. Also called: MOGS-CDG; CDG IIb; GLUCOSIDASE I DEFICIENCY; CDG 2B. Identifiers: Orphanet 79330, MedGen C1853736, MONDO:0011629, OMIM 606056.

Submission:

Labcorp Genetics (formerly Invitae), Labcorp
Classification: Pathogenic for Congenital disorder of glycosylation type 2B. Last evaluated: 2019-10-24. Review status: criteria provided, single submitter. Criteria: Invitae Variant Classification Sherloc (09022015). Collection method: clinical testing. Allele origin: germline.
Comment: A gross deletion of the genomic region encompassing the full coding sequence of the MOGS gene has been identified. The boundaries of this event are unknown as the deletion extends beyond the assayed region for this gene and therefore may encompass additional genes. This variant has not been reported in the literature in individuals with MOGS-related conditions. Loss-of-function variants in MOGS are known to be pathogenic (PMID: 24716661, 26805780). For these reasons, this variant has been classified as Pathogenic.

NC_000002.12:g.(?_74461255)_(74465267_?)del

Gene: MOGS (mannosyl-oligosaccharide glucosidase; minus strand). Cytogenetic location: 2p13.1.
Variant type: Deletion.
Identifiers: ClinVar variation 831030 (VCV000831030.1).